The following is an entry in ClinVar:

NM_018699.4(PRDM5):c.398A>C (p.Glu133Ala)

Gene: PRDM5 (PR/SET domain 5; minus strand). Cytogenetic location: 4q27.
Variant type: single nucleotide variant.
Coding change: c.398A>C on transcript NM_018699.4 (MANE Select); coding-DNA position 398, A replaced by C.
Protein change: p.Glu133Ala; replaces glutamic acid 133 with alanine.
Molecular consequence: missense variant.
Genome position (GRCh38, 1-based): chr4:120,821,248, T>G on the plus strand (A>C on the coding strand, the complement: PRDM5 is on the minus strand). VCF-style: chr4-120821248-T-G. GRCh37 (hg19) VCF-style: chr4-121742403-T-G.
Other names: c.398A>C, p.Glu133Ala (NM_001300823.2, NM_001300824.2, NM_001379104.1 and 1 more transcripts); short protein forms E133A.
Identifiers: ClinVar variation 4614744 (VCV004614744.1).

ClinVar aggregate classification (germline): Uncertain significance (1 of 4 stars; one submission).

Conditions:
Cardiovascular phenotype. Identifiers: MedGen CN230736.

gnomAD v4.1: 1 of 1,613,960 alleles (0.000062%); highest among the groups gnomAD compares: Non-Finnish European, 0.000085%; no homozygotes.

Submission:

Ambry Genetics
Classification: Uncertain significance for Cardiovascular phenotype. Last evaluated: 2025-10-11. Review status: criteria provided, single submitter. Criteria: Ambry Variant Classification Scheme 2023. Collection method: clinical testing. Allele origin: germline.
Comment: The p.E133A variant (also known as c.398A>C), located in coding exon 4 of the PRDM5 gene, results from an A to C substitution at nucleotide position 398. The glutamic acid at codon 133 is replaced by alanine, an amino acid with dissimilar properties. This amino acid position is conserved. In addition, this alteration is predicted to be tolerated by in silico analysis. Based on the available evidence, the clinical significance of this variant remains unclear.